The following is an entry in ClinVar:

ClinVar aggregate classification (germline): Uncertain significance. Review status: criteria provided, multiple submitters, no conflicts (2 of 4 stars). 2 submissions from 2 submitters: Uncertain significance (2). Last evaluated 2024-06-28.

Conditions:
Familial cold autoinflammatory syndrome 3 (FCAS3). Also called: ANTIBODY DEFICIENCY AND IMMUNE DYSREGULATION, PLCG2-ASSOCIATED; FAMILIAL ATYPICAL COLD URTICARIA. Identifiers: Orphanet 300359, MedGen C3280914, MONDO:0013766, OMIM 614468.

Allele frequency attached by ClinVar (database versions not stated): gnomAD exomes 0.00001 and 0.00002; ExAC 0.00002; TOPMed 0.00002; gnomAD 0.00003; ESP Exome Variant Server 0.00008.
gnomAD v4.1: 28 of 1,613,888 alleles (0.0017%); highest among the groups gnomAD compares: East Asian, 0.0067%; no homozygotes.

Submissions (2):

Blueprint Genetics
Classification: Uncertain significance. Last evaluated: 2024-06-28. Review status: criteria provided, single submitter. Criteria: ACMG Guidelines, 2015. Collection method: clinical testing. Allele origin: germline.

Labcorp Genetics (formerly Invitae), Labcorp
Classification: Uncertain significance for Familial cold autoinflammatory syndrome 3. Last evaluated: 2024-06-25. Review status: criteria provided, single submitter. Criteria: Invitae Variant Classification Sherloc (09022015). Collection method: clinical testing. Allele origin: germline.
Comment: This sequence change replaces arginine, which is basic and polar, with cysteine, which is neutral and slightly polar, at codon 732 of the PLCG2 protein (p.Arg732Cys). This variant is present in population databases (rs369760877, gnomAD 0.01%). This variant has not been reported in the literature in individuals affected with PLCG2-related conditions. ClinVar contains an entry for this variant (Variation ID: 636889). An algorithm developed to predict the effect of missense changes on protein structure and function (PolyPhen-2) suggests that this variant is likely to be disruptive. In summary, the available evidence is currently insufficient to determine the role of this variant in disease. Therefore, it has been classified as a Variant of Uncertain Significance.

NM_002661.5(PLCG2):c.2194C>T (p.Arg732Cys)

Gene: PLCG2 (phospholipase C gamma 2; plus strand). Cytogenetic location: 16q23.3.
Variant type: single nucleotide variant.
Coding change: c.2194C>T on transcript NM_002661.5 (MANE Select); coding-DNA position 2194, C replaced by T.
Protein change: p.Arg732Cys; replaces arginine 732 with cysteine.
Molecular consequence: missense variant.
Genome position (GRCh38, 1-based): chr16:81,919,623, C>T. VCF-style: chr16-81919623-C-T. GRCh37 (hg19) VCF-style: chr16-81953228-C-T.
Other names: c.2194C>T (LRG_376t1); short protein forms R732C.
Identifiers: ClinVar variation 636889 (VCV000636889.11), dbSNP rs369760877, ClinGen allele CA8194112.